The following is an entry in ClinVar:

ClinVar aggregate classification (germline): Uncertain significance (1 of 4 stars; one submission).

Allele frequency attached by ClinVar (database versions not stated): gnomAD exomes below 0.00001; TOPMed 0.00001; gnomAD 0.00002.

Submission:

Labcorp Genetics (formerly Invitae), Labcorp
Classification: Uncertain significance. Last evaluated: 2024-05-01. Review status: criteria provided, single submitter. Criteria: Invitae Variant Classification Sherloc (09022015). Collection method: clinical testing. Allele origin: germline.
Comment: This sequence change replaces valine, which is neutral and non-polar, with methionine, which is neutral and non-polar, at codon 1577 of the CELSR2 protein (p.Val1577Met). This variant is present in population databases (no rsID available, gnomAD 0.004%). This missense change has been observed in individual(s) with autism (PMID: 35982159). Advanced modeling of protein sequence and biophysical properties (such as structural, functional, and spatial information, amino acid conservation, physicochemical variation, residue mobility, and thermodynamic stability) performed at Invitae indicates that this missense variant is not expected to disrupt CELSR2 protein function with a negative predictive value of 80%. In summary, the available evidence is currently insufficient to determine the role of this variant in disease. Therefore, it has been classified as a Variant of Uncertain Significance.

Literature cited by the submitters: PubMed 35982159.

NM_001408.3(CELSR2):c.4729G>A (p.Val1577Met)

Gene: CELSR2 (cadherin EGF LAG seven-pass G-type receptor 2; plus strand). Cytogenetic location: 1p13.3.
Variant type: single nucleotide variant.
Coding change: c.4729G>A on transcript NM_001408.3 (MANE Select); coding-DNA position 4729, G replaced by A.
Protein change: p.Val1577Met; replaces valine 1577 with methionine.
Molecular consequence: missense variant.
Genome position (GRCh38, 1-based): chr1:109,263,162, G>A. VCF-style: chr1-109263162-G-A. GRCh37 (hg19) VCF-style: chr1-109805784-G-A.
Other names: short protein forms V1577M.
Identifiers: ClinVar variation 2720191 (VCV002720191.3), dbSNP rs941110832, ClinGen allele CA28630929.